The following is an entry in ClinVar:

ClinVar aggregate classification (germline): Benign/Likely benign. Review status: criteria provided, multiple submitters, no conflicts (2 of 4 stars). 9 submissions from 9 submitters: Benign (2); Likely benign (6). 1 of the submissions does not count toward it. Last evaluated 2026-06-01.

Conditions:
ABAT-related disorder. Also called: ABAT-related condition.
Gamma-aminobutyric acid transaminase deficiency (GABATD). Also called: GABA aminotransaminase deficiency; GABA transaminase deficiency; Gamma aminobutyrate transaminase deficiency; 4 alpha aminobutyrate transaminase deficiency. Identifiers: Orphanet 2066, MedGen C0342708, MONDO:0013166, OMIM 613163.

Allele frequency attached by ClinVar (database versions not stated): 1000 Genomes Project 30x 0.00172; gnomAD exomes 0.00186 and 0.00286; 1000 Genomes Project 0.00200; gnomAD 0.00200 and 0.00203; ESP Exome Variant Server 0.00269; TOPMed 0.00273; ExAC 0.00300.
gnomAD v4.1: 4,417 of 1,607,970 alleles (0.27%); highest among the groups gnomAD compares: Non-Finnish European, 0.34%; 16 homozygotes.

Submissions (9):

CeGaT Center for Human Genetics Tuebingen
Classification: Likely benign. Last evaluated: 2026-06-01. Review status: criteria provided, single submitter. Criteria: CeGaT Center For Human Genetics Tuebingen Variant Classification Criteria Version 2. Collection method: clinical testing. Allele origin: germline. Affected: yes. Observed: 15 variant alleles.
Comment: ABAT: BP4, BP7, BS2

Labcorp Genetics (formerly Invitae), Labcorp
Classification: Benign for Gamma-aminobutyric acid transaminase deficiency. Last evaluated: 2026-02-03. Review status: criteria provided, single submitter. Criteria: Invitae Variant Classification Sherloc (09022015). Collection method: clinical testing. Allele origin: germline.

Mayo Clinic Laboratories, Mayo Clinic
Classification: Likely benign. Last evaluated: 2025-05-20. Review status: criteria provided, single submitter. Criteria: ACMG Guidelines, 2015. Collection method: clinical testing. Allele origin: germline. Observed: 4 variant alleles.
Comment: BS1, BP4, BP7

Blueprint Genetics
Classification: Likely benign. Last evaluated: 2024-11-27. Review status: criteria provided, single submitter. Criteria: ACMG Guidelines, 2015. Collection method: clinical testing. Allele origin: germline.

ARUP Laboratories, Molecular Genetics and Genomics, ARUP Laboratories
Classification: Benign for Gamma-aminobutyric acid transaminase deficiency. Last evaluated: 2024-11-22. Review status: criteria provided, single submitter. Criteria: ARUP Molecular Germline Variant Investigation Process 2024. Collection method: clinical testing. Allele origin: germline.

Illumina Laboratory Services, Illumina
Classification: Likely benign for Gamma-aminobutyric acid transaminase deficiency. Last evaluated: 2018-01-13. Review status: criteria provided, single submitter. Criteria: ICSL Variant Classification Criteria 13 December 2019. Collection method: clinical testing. Allele origin: germline.
Comment: This variant was observed in the ICSL laboratory as part of a predisposition screen in an ostensibly healthy population. It had not been previously curated by ICSL or reported in the Human Gene Mutation Database (HGMD: prior to June 1st, 2018), and was therefore a candidate for classification through an automated scoring system. Utilizing variant allele frequency, disease prevalence and penetrance estimates, and inheritance mode, an automated score was calculated to assess if this variant is too frequent to cause the disease. Based on the score and internal cut-off values, a variant classified as likely benign is not then subjected to further curation. The score for this variant resulted in a classification of likely benign for this disease.

Eurofins Ntd Llc (ga)
Classification: Likely benign. Last evaluated: 2015-06-30. Review status: criteria provided, single submitter. Criteria: EGL Classification Definitions 2015. Collection method: clinical testing. Allele origin: germline. Observed: 1 variant allele, 1 heterozygote.

Breakthrough Genomics
Classification: Likely benign. Review status: criteria provided, single submitter. Criteria: ACMG Guidelines, 2015. Collection method: not provided. Allele origin: germline. Inheritance: Autosomal recessive inheritance. Affected: yes.

PreventionGenetics, part of Exact Sciences
Classification: Likely benign for ABAT-related condition. Last evaluated: 2019-03-21. Review status: no assertion criteria provided. Collection method: clinical testing. Allele origin: germline. Not counted in ClinVar's aggregate classification.
Comment: This variant is classified as likely benign based on ACMG/AMP sequence variant interpretation guidelines (Richards et al. 2015 PMID: 25741868, with internal and published modifications).

NM_020686.6(ABAT):c.30G>A (p.Leu10=)

Gene: ABAT (4-aminobutyrate aminotransferase; plus strand). Cytogenetic location: 16p13.2.
Variant type: single nucleotide variant.
Coding change: c.30G>A on transcript NM_020686.6 (MANE Select); coding-DNA position 30, G replaced by A.
Protein change: p.Leu10=; no amino-acid change (leucine 10 retained).
Molecular consequence: synonymous variant. On other transcripts: intron variant (3).
Genome position (GRCh38, 1-based): chr16:8,735,769, G>A. VCF-style: chr16-8735769-G-A. GRCh37 (hg19) VCF-style: chr16-8829626-G-A.
Other names: p.Leu10=; c.30G>A, p.Leu10= (NM_000663.5, NM_001127448.2, NM_001386600.1 and 13 more transcripts); c.-65-10232G>A (NM_001386611.1, NM_001386612.1, NM_001386613.1).
Identifiers: ClinVar variation 281798 (VCV000281798.53), dbSNP rs34813662, ClinGen allele CA7892914.